The following is an entry in ClinVar:

ClinVar aggregate classification (germline): Uncertain significance (1 of 4 stars; one submission).

Submission:

Labcorp Genetics (formerly Invitae), Labcorp
Classification: Uncertain significance. Last evaluated: 2021-07-06. Review status: criteria provided, single submitter. Criteria: Invitae Variant Classification Sherloc (09022015). Collection method: clinical testing. Allele origin: germline.
Comment: This sequence change replaces asparagine with tyrosine at codon 124 of the ERBB2 protein (p.Asn124Tyr). The asparagine residue is weakly conserved and there is a large physicochemical difference between asparagine and tyrosine. This variant is not present in population databases (ExAC no frequency). This variant has not been reported in the literature in individuals affected with ERBB2-related conditions. Algorithms developed to predict the effect of missense changes on protein structure and function (SIFT, PolyPhen-2, Align-GVGD) all suggest that this variant is likely to be tolerated. In summary, the available evidence is currently insufficient to determine the role of this variant in disease. Therefore, it has been classified as a Variant of Uncertain Significance.

NM_004448.4(ERBB2):c.370A>T (p.Asn124Tyr)

Gene: ERBB2 (erb-b2 receptor tyrosine kinase 2; plus strand). Cytogenetic location: 17q12.
Variant type: single nucleotide variant.
Coding change: c.370A>T on transcript NM_004448.4 (MANE Select); coding-DNA position 370, A replaced by T.
Protein change: p.Asn124Tyr; replaces asparagine 124 with tyrosine.
Molecular consequence: missense variant. On other transcripts: non-coding transcript variant (1), intron variant (1).
Genome position (GRCh38, 1-based): chr17:39,708,465, A>T. VCF-style: chr17-39708465-A-T. GRCh37 (hg19) VCF-style: chr17-37864718-A-T.
Other names: c.280A>T, p.Asn94Tyr (NM_001005862.3, NM_001289938.2, NM_001382782.1 and 1 more transcripts); c.325A>T, p.Asn109Tyr (NM_001289936.2); c.370A>T, p.Asn124Tyr (NM_001289937.2, NM_001382784.1, NM_001382785.1 and 19 more transcripts); c.361A>T, p.Asn121Tyr (NM_001382791.1); c.74-3463A>T (NM_001382804.1); short protein forms N124Y, N109Y, N121Y, N94Y.
Identifiers: ClinVar variation 1441046 (VCV001441046.8), dbSNP rs1283546661, ClinGen allele CA399272913.
Genomic context (GRCh38, chr17:39,708,465, plus strand): 5'-GGCACCCAGCTCTTTGAGGACAACTATGCCCTGGCCGTGCTAGACAATGGAGACCCGCTG[A>T]ACAATACCACCCCTGTCACAGGGGCCTCCCCAGGAGGCCTGCGGGAGCTGCAGCTTCGAA-3'
Protein context (NP_004439.2, residues 114-134): LAVLDNGDPL[Asn124Tyr]NTTPVTGASP